The following is an entry in ClinVar:

NM_033163.5(FGF8):c.261C>A (p.Ser87Arg)

Gene: FGF8 (fibroblast growth factor 8; minus strand). Cytogenetic location: 10q24.32.
Variant type: single nucleotide variant.
Coding change: c.261C>A on transcript NM_033163.5 (MANE Select); coding-DNA position 261, C replaced by A.
Protein change: p.Ser87Arg; replaces serine 87 with arginine.
Molecular consequence: missense variant. On other transcripts: 5 prime UTR variant (1).
Genome position (GRCh38, 1-based): chr10:101,774,808, G>T on the plus strand (C>A on the coding strand, the complement: FGF8 is on the minus strand). VCF-style: chr10-101774808-G-T. GRCh37 (hg19) VCF-style: chr10-103534565-G-T.
Other names: c.-52C>A (NM_001206389.2); c.174C>A, p.Ser58Arg (NM_006119.6); c.228C>A, p.Ser76Arg (NM_033164.4); c.141C>A, p.Ser47Arg (NM_033165.5); short protein forms S47R, S58R, S76R, S87R.
Identifiers: ClinVar variation 2573738 (VCV002573738.1), dbSNP rs1554834876, ClinGen allele CA377836741.
Genomic context (GRCh38, chr10:101,774,808, plus strand): 5'-CTCTGCCATGGCGTTGATGCGCTTGTTGGCCAGGACCTGCACGTGCTTCCCGCTGGTGCG[G>T]CTGTAGAGTTGGTAGGTCCGGATGAGGCGGCGGCTGAGCTGATCCGTCACCAGGCTCTGC-3'
Protein context (NP_149353.1, residues 77-97): RRLIRTYQLY[Ser87Arg]RTSGKHVQVL

ClinVar aggregate classification (germline): Uncertain significance (1 of 4 stars; one submission).

Submission:

GeneDx
Classification: Uncertain significance. Last evaluated: 2023-01-10. Review status: criteria provided, single submitter. Criteria: GeneDx Variant Classification Process June 2021. Collection method: clinical testing. Allele origin: germline. Affected: yes.
Comment: Not observed at significant frequency in large population cohorts (gnomAD); In silico analysis supports that this missense variant has a deleterious effect on protein structure/function; Has not been previously published as pathogenic or benign to our knowledge